The following is an entry in ClinVar:

NM_153704.6(TMEM67):c.782A>G (p.Asp261Gly)

Gene: TMEM67 (transmembrane protein 67; plus strand). Cytogenetic location: 8q22.1.
Variant type: single nucleotide variant.
Coding change: c.782A>G on transcript NM_153704.6 (MANE Select); coding-DNA position 782, A replaced by G.
Protein change: p.Asp261Gly; replaces aspartic acid 261 with glycine.
Molecular consequence: missense variant. On other transcripts: non-coding transcript variant (1).
Genome position (GRCh38, 1-based): chr8:93,780,660, A>G. VCF-style: chr8-93780660-A-G. GRCh37 (hg19) VCF-style: chr8-94792888-A-G.
Other names: c.539A>G, p.Asp180Gly (NM_001142301.1); short protein forms D180G, D261G.
Identifiers: ClinVar variation 4998311 (VCV004998311.1).

ClinVar aggregate classification (germline): Uncertain significance (1 of 4 stars; one submission).

Conditions:
TMEM67-related disorder. Also called: TMEM67-related condition; TMEM67-related disorders. Identifiers: MedGen CN239423.

Submission:

PreventionGenetics, part of Exact Sciences
Classification: Uncertain significance for TMEM67-related condition. Last evaluated: 2026-05-16. Review status: criteria provided, single submitter. Criteria: ACMG Guidelines, 2015. Collection method: clinical testing. Allele origin: germline.
Comment: The TMEM67 c.782A>G variant is predicted to result in the amino acid substitution p.Asp261Gly. To our knowledge, this variant has not been reported in the literature or in a large population database (gnomAD), indicating this variant is rare. At this time, the clinical significance of this variant is uncertain due to the absence of conclusive functional and genetic evidence.